The following is an entry in ClinVar:

ClinVar aggregate classification (germline): Uncertain significance. Review status: criteria provided, multiple submitters, no conflicts (2 of 4 stars). 3 submissions from 3 submitters: Uncertain significance (3). Last evaluated 2023-02-21.

Conditions:
Inborn genetic diseases. Identifiers: MedGen C0950123, MeSH D030342.
Hereditary spastic paraplegia 48. Also called: SPASTIC PARAPLEGIA 48, AUTOSOMAL RECESSIVE; Spastic paraplegia 48. Identifiers: Orphanet 306511, MedGen C3150901, MONDO:0013342, OMIM 613647.

Allele frequency attached by ClinVar (database versions not stated): gnomAD exomes 0.00002 and 0.00004; ExAC 0.00005; 1000 Genomes Project 30x 0.00016; gnomAD 0.00019 and 0.00021; 1000 Genomes Project 0.00020; TOPMed 0.00025; ESP Exome Variant Server 0.00039.
gnomAD v4.1: 67 of 1,613,056 alleles (0.0042%); highest among the groups gnomAD compares: African/African-American, 0.052%; 1 homozygote.

Submissions (3):

Mayo Clinic Laboratories, Mayo Clinic
Classification: Uncertain significance. Last evaluated: 2023-02-21. Review status: criteria provided, single submitter. Criteria: ACMG Guidelines, 2015. Collection method: clinical testing. Allele origin: germline. Observed: 2 variant alleles.
Comment: BP4, PM2

Ambry Genetics
Classification: Uncertain significance for Inborn genetic diseases. Last evaluated: 2020-12-02. Review status: criteria provided, single submitter. Criteria: Ambry Variant Classification Scheme 2023. Collection method: clinical testing. Allele origin: germline.
Comment: The c.1916G>C (p.R639T) alteration is located in exon 15 (coding exon 15) of the AP5Z1 gene. This alteration results from a G to C substitution at nucleotide position 1916, causing the arginine (R) at amino acid position 639 to be replaced by a threonine (T). The p.R639T alteration is predicted to be tolerated by in silico analysis. Based on insufficient or conflicting evidence, the clinical significance of this alteration remains unclear.

Labcorp Genetics (formerly Invitae), Labcorp
Classification: Uncertain significance for Hereditary spastic paraplegia 48. Last evaluated: 2020-06-15. Review status: criteria provided, single submitter. Criteria: Invitae Variant Classification Sherloc (09022015). Collection method: clinical testing. Allele origin: germline.
Comment: This variant has not been reported in the literature in individuals with AP5Z1-related conditions. This variant is present in population databases (rs201798269, ExAC 0.06%). This sequence change replaces arginine with threonine at codon 639 of the AP5Z1 protein (p.Arg639Thr). The arginine residue is moderately conserved and there is a moderate physicochemical difference between arginine and threonine. In summary, the available evidence is currently insufficient to determine the role of this variant in disease. Therefore, it has been classified as a Variant of Uncertain Significance. Algorithms developed to predict the effect of missense changes on protein structure and function output the following: SIFT: "Deleterious"; PolyPhen-2: "Benign"; Align-GVGD: "Class C0". The threonine amino acid residue is found in multiple mammalian species, suggesting that this missense change does not adversely affect protein function. These predictions have not been confirmed by published functional studies and their clinical significance is uncertain.

NM_014855.3(AP5Z1):c.1916G>C (p.Arg639Thr)

Gene: AP5Z1 (adaptor related protein complex 5 subunit zeta 1; plus strand). Cytogenetic location: 7p22.1.
Variant type: single nucleotide variant.
Coding change: c.1916G>C on transcript NM_014855.3 (MANE Select); coding-DNA position 1916, G replaced by C.
Protein change: p.Arg639Thr; replaces arginine 639 with threonine.
Molecular consequence: missense variant. On other transcripts: non-coding transcript variant (1).
Genome position (GRCh38, 1-based): chr7:4,790,569, G>C. VCF-style: chr7-4790569-G-C. GRCh37 (hg19) VCF-style: chr7-4830200-G-C.
Other names: p.Arg639Thr; c.1448G>C, p.Arg483Thr (NM_001364858.1); c.1916G>C (NM_014855.2); short protein forms R483T, R639T.
Identifiers: ClinVar variation 1055241 (VCV001055241.10), dbSNP rs201798269, ClinGen allele CA4138179.